The following is an entry in ClinVar:

ClinVar aggregate classification (germline): Uncertain significance (0 of 4 stars; one submission).

Conditions:
BBS4-related disorder. Also called: BBS4-related condition.

gnomAD v4.1: 1 of 1,614,146 alleles (0.000062%); highest among the groups gnomAD compares: Non-Finnish European, 0.000085%; no homozygotes.

Submission:

PreventionGenetics, part of Exact Sciences
Classification: Uncertain significance for BBS4-related condition. Last evaluated: 2024-06-04. Review status: no assertion criteria provided. Collection method: clinical testing. Allele origin: germline.
Comment: The BBS4 c.784G>C variant is predicted to result in the amino acid substitution p.Val262Leu. To our knowledge, this variant has not been reported in the literature. This variant is reported in 0.00088% of alleles in individuals of European (Non-Finnish) descent in gnomAD. At this time, the clinical significance of this variant is uncertain due to the absence of conclusive functional and genetic evidence.

NM_033028.5(BBS4):c.784G>C (p.Val262Leu)

Gene: BBS4 (Bardet-Biedl syndrome 4; plus strand). Cytogenetic location: 15q24.1.
Variant type: single nucleotide variant.
Coding change: c.784G>C on transcript NM_033028.5 (MANE Select); coding-DNA position 784, G replaced by C.
Protein change: p.Val262Leu; replaces valine 262 with leucine.
Molecular consequence: missense variant. On other transcripts: non-coding transcript variant (2).
Genome position (GRCh38, 1-based): chr15:72,731,377, G>C. VCF-style: chr15-72731377-G-C. GRCh37 (hg19) VCF-style: chr15-73023718-G-C.
Other names: c.268G>C, p.Val90Leu (NM_001252678.2); c.715G>C, p.Val239Leu (NM_001320665.2); short protein forms V239L, V262L, V90L.
Identifiers: ClinVar variation 3346559 (VCV003346559.1).